The following is an entry in ClinVar:

ClinVar aggregate classification (germline): Conflicting classifications of pathogenicity. Review status: criteria provided, conflicting classifications (1 of 4 stars). 5 submissions from 5 submitters: Uncertain significance (1); Likely benign (4). Last evaluated 2026-01-12.

Conditions:
Dilated cardiomyopathy 1G (CMD1G). Identifiers: Orphanet 154, MedGen C1858763, MONDO:0011400, OMIM 604145.
Autosomal recessive limb-girdle muscular dystrophy type 2J (LGMDR10). Also called: Limb-girdle muscular dystrophy, type 2J; MUSCULAR DYSTROPHY, LIMB-GIRDLE, AUTOSOMAL RECESSIVE 10. Identifiers: Orphanet 140922, MedGen C1837342, MONDO:0012127, OMIM 608807.
Cardiovascular phenotype. Identifiers: MedGen CN230736.
TTN-related disorder. Also called: TTN-related condition; TTN-related disease; TTN-related disorders.

Allele frequency attached by ClinVar (database versions not stated): gnomAD exomes below 0.00001 and 0.00001; gnomAD 0.00003 and 0.00004; TOPMed 0.00009.
gnomAD v4.1: 12 of 1,613,574 alleles (0.00074%); highest among the groups gnomAD compares: African/African-American, 0.012%; no homozygotes.

Submissions (5):

Labcorp Genetics (formerly Invitae), Labcorp
Classification: Likely benign for Dilated cardiomyopathy 1G; Autosomal recessive limb-girdle muscular dystrophy type 2J. Last evaluated: 2026-01-12. Review status: criteria provided, single submitter. Criteria: Invitae Variant Classification Sherloc (09022015). Collection method: clinical testing. Allele origin: germline.

PreventionGenetics, part of Exact Sciences
Classification: Likely benign for TTN-related condition. Last evaluated: 2025-06-19. Review status: criteria provided, single submitter. Criteria: ACMG Guidelines, 2015. Collection method: clinical testing. Allele origin: germline.
Comment: This variant is classified as likely benign based on ACMG/AMP sequence variant interpretation guidelines (Richards et al. 2015 PMID: 25741868, with internal and published modifications).

Ambry Genetics
Classification: Likely benign for Cardiovascular phenotype. Last evaluated: 2019-03-28. Review status: criteria provided, single submitter. Criteria: Ambry Variant Classification Scheme 2023. Collection method: clinical testing. Allele origin: germline.

Eurofins Ntd Llc (ga)
Classification: Uncertain significance. Last evaluated: 2017-03-07. Review status: criteria provided, single submitter. Criteria: EGL Classification Definitions 2015. Collection method: clinical testing. Allele origin: germline. Observed: 1 variant allele, 1 heterozygote.

Laboratory for Molecular Medicine, Mass General Brigham Personalized Medicine
Classification: Likely benign. Last evaluated: 2012-03-19. Review status: criteria provided, single submitter. Criteria: LMM Criteria. Collection method: clinical testing. Allele origin: germline. Observed: 1 variant allele.
Comment: Ile27694Ile in exon 284 of TTN: This variant is not expected to have clinical si gnificance because it does not alter an amino acid residue and is not located wi thin the splice consensus sequence. It has been identified in 1/3266 African Ame rican chromosomes from a broad population by the NHLBI Exome Sequencing Project. Ile27694Ile in exon 284 of TTN (allele freq uency = 1/3266) **

NM_001267550.2(TTN):c.90786C>T (p.Ile30262=)

Genes: TTN (titin; minus strand), TTN-AS1 (TTN antisense RNA 1; plus strand). Cytogenetic location: 2q31.2.
Variant type: single nucleotide variant.
Coding change: c.90786C>T on transcript NM_001267550.2 (MANE Select); coding-DNA position 90786, C replaced by T.
Protein change: p.Ile30262=; no amino-acid change (isoleucine 30262 retained).
Molecular consequence: synonymous variant.
Genome position (GRCh38, 1-based): chr2:178,552,114, G>A on the plus strand (C>T on the coding strand, the complement: TTN is on the minus strand). VCF-style: chr2-178552114-G-A. GRCh37 (hg19) VCF-style: chr2-179416841-G-A.
Other names: c.85863C>T, p.Ile28621= (NM_001256850.1); c.63591C>T, p.Ile21197= (NM_003319.4); c.63966C>T, p.Ile21322= (NM_133432.3); c.64167C>T, p.Ile21389= (NM_133437.4); c.83082C>T, p.Ile27694= (NM_133378.4).
Identifiers: ClinVar variation 178167 (VCV000178167.22), dbSNP rs727504439, ClinGen allele CA181622.